The following is an entry in ClinVar:

ClinVar aggregate classification (germline): Likely benign (1 of 4 stars; one submission).

gnomAD v4.1: 43 of 1,613,284 alleles (0.0027%); highest among the groups gnomAD compares: Non-Finnish European, 0.0034%; no homozygotes.

Submission:

CeGaT Center for Human Genetics Tuebingen
Classification: Likely benign. Last evaluated: 2026-09-01. Review status: criteria provided, single submitter. Criteria: CeGaT Center For Human Genetics Tuebingen Variant Classification Criteria Version 2. Collection method: clinical testing. Allele origin: germline. Affected: yes. Observed: 2 variant alleles.
Comment: HERC2: BP4, BP7

NM_004667.6(HERC2):c.10578A>G (p.Ala3526=)

Gene: HERC2 (HECT and RLD domain containing E3 ubiquitin protein ligase 2; minus strand). Cytogenetic location: 15q13.1.
Variant type: single nucleotide variant.
Coding change: c.10578A>G on transcript NM_004667.6 (MANE Select); coding-DNA position 10578, A replaced by G.
Protein change: p.Ala3526=; no amino-acid change (alanine 3526 retained).
Molecular consequence: synonymous variant.
Genome position (GRCh38, 1-based): chr15:28,163,262, T>C on the plus strand (A>G on the coding strand, the complement: HERC2 is on the minus strand). VCF-style: chr15-28163262-T-C. GRCh37 (hg19) VCF-style: chr15-28408408-T-C.
Identifiers: ClinVar variation 5039000 (VCV005039000.1).